The following is an entry in ClinVar:

NM_001330588.2(TPP2):c.3692G>A (p.Cys1231Tyr)

Gene: TPP2 (tripeptidyl peptidase 2; plus strand). Cytogenetic location: 13q33.1.
Variant type: single nucleotide variant.
Coding change: c.3692G>A on transcript NM_001330588.2 (MANE Select); coding-DNA position 3692, G replaced by A.
Protein change: p.Cys1231Tyr; replaces cysteine 1231 with tyrosine.
Molecular consequence: missense variant. On other transcripts: non-coding transcript variant (1).
Genome position (GRCh38, 1-based): chr13:102,676,408, G>A. VCF-style: chr13-102676408-G-A. GRCh37 (hg19) VCF-style: chr13-103328758-G-A.
Other names: c.3779G>A, p.Cys1260Tyr (NM_001367947.1); c.3653G>A, p.Cys1218Tyr (NM_003291.4); c.3653G>A (NM_003291.2); short protein forms C1218Y, C1260Y, C1231Y.
Identifiers: ClinVar variation 1467565 (VCV001467565.7), dbSNP rs200263888, ClinGen allele CA7038332.

ClinVar aggregate classification (germline): Uncertain significance. Review status: criteria provided, multiple submitters, no conflicts (2 of 4 stars). 2 submissions from 2 submitters: Uncertain significance (2). Last evaluated 2025-10-30.

Conditions:
Evans syndrome, immunodeficiency, and premature immunosenescence associated with tripeptidyl-peptidase II deficiency. Identifiers: MedGen CN231723. Disease mechanism: loss of function.
Inborn genetic diseases. Identifiers: MedGen C0950123, MeSH D030342.

Allele frequency attached by ClinVar (database versions not stated): gnomAD exomes 0.00003 and 0.00001; 1000 Genomes Project 30x 0.00016; gnomAD 0.00001; 1000 Genomes Project 0.00020; TOPMed 0.00001; ExAC 0.00003.
gnomAD v4.1: 20 of 1,609,242 alleles (0.0012%); highest among the groups gnomAD compares: East Asian, 0.043%; no homozygotes.

Submissions (2):

Ambry Genetics
Classification: Uncertain significance for Inborn genetic diseases. Last evaluated: 2025-10-30. Review status: criteria provided, single submitter. Criteria: Ambry Variant Classification Scheme 2023. Collection method: clinical testing. Allele origin: germline.

Labcorp Genetics (formerly Invitae), Labcorp
Classification: Uncertain significance for Evans syndrome, immunodeficiency, and premature immunosenescence associated with tripeptidyl-peptidase II deficiency. Last evaluated: 2021-10-28. Review status: criteria provided, single submitter. Criteria: Invitae Variant Classification Sherloc (09022015). Collection method: clinical testing. Allele origin: germline.
Comment: In summary, the available evidence is currently insufficient to determine the role of this variant in disease. Therefore, it has been classified as a Variant of Uncertain Significance. Algorithms developed to predict the effect of missense changes on protein structure and function are either unavailable or do not agree on the potential impact of this missense change (SIFT: "Deleterious"; PolyPhen-2: "Possibly Damaging"; Align-GVGD: "Class C0"). This variant has not been reported in the literature in individuals affected with TPP2-related conditions. This variant is present in population databases (rs200263888, gnomAD 0.04%). This sequence change replaces cysteine, which is neutral and slightly polar, with tyrosine, which is neutral and polar, at codon 1218 of the TPP2 protein (p.Cys1218Tyr).